The following is an entry in ClinVar:

NM_001142800.2(EYS):c.3317C>T (p.Pro1106Leu)

Gene: EYS (EGF-like photoreceptor maintenance factor; minus strand). Cytogenetic location: 6q12.
Variant type: single nucleotide variant.
Coding change: c.3317C>T on transcript NM_001142800.2 (MANE Select); coding-DNA position 3317, C replaced by T.
Protein change: p.Pro1106Leu; replaces proline 1106 with leucine.
Molecular consequence: missense variant.
Genome position (GRCh38, 1-based): chr6:64,813,504, G>A on the plus strand (C>T on the coding strand, the complement: EYS is on the minus strand). VCF-style: chr6-64813504-G-A. GRCh37 (hg19) VCF-style: chr6-65523397-G-A.
Other names: c.3317C>T, p.Pro1106Leu (NM_001292009.2); short protein forms P1106L.
Identifiers: ClinVar variation 1025236 (VCV001025236.8), dbSNP rs1764661002, ClinGen allele CA364786942.
Genomic context (GRCh38, chr6:64,813,504, plus strand): 5'-AGTTCAGGCTCAGCACAATTATCAATGCTTTTTTCACAGTATGCACCAGTGTATCCACGT[G>A]GGCAAATGCAAGTAAATCCATGTGCTGACTTCTGACAGAAGCCTTCATTCATACAAGGGA-3'
Protein context (NP_001136272.1, residues 1096-1116): KSAHGFTCIC[Pro1106Leu]RGYTGAYCEK

ClinVar aggregate classification (germline): Uncertain significance (1 of 4 stars; one submission).

Submission:

Labcorp Genetics (formerly Invitae), Labcorp
Classification: Uncertain significance. Last evaluated: 2022-10-17. Review status: criteria provided, single submitter. Criteria: Invitae Variant Classification Sherloc (09022015). Collection method: clinical testing. Allele origin: germline.
Comment: This sequence change replaces proline, which is neutral and non-polar, with leucine, which is neutral and non-polar, at codon 1106 of the EYS protein (p.Pro1106Leu). This variant is not present in population databases (gnomAD no frequency). This variant has not been reported in the literature in individuals affected with EYS-related conditions. ClinVar contains an entry for this variant (Variation ID: 1025236). In summary, the available evidence is currently insufficient to determine the role of this variant in disease. Therefore, it has been classified as a Variant of Uncertain Significance. Algorithms developed to predict the effect of missense changes on protein structure and function output the following: SIFT: "Tolerated"; PolyPhen-2: "Benign"; Align-GVGD: "Class C0". The leucine amino acid residue is found in multiple mammalian species, which suggests that this missense change does not adversely affect protein function.